The following is an entry in ClinVar:

NM_002691.4(POLD1):c.553C>T (p.Pro185Ser)

Gene: POLD1 (DNA polymerase delta 1, catalytic subunit; plus strand). Cytogenetic location: 19q13.33.
Variant type: single nucleotide variant.
Coding change: c.553C>T on transcript NM_002691.4 (MANE Select); coding-DNA position 553, C replaced by T.
Protein change: p.Pro185Ser; replaces proline 185 with serine.
Molecular consequence: missense variant. On other transcripts: non-coding transcript variant (1).
Genome position (GRCh38, 1-based): chr19:50,402,088, C>T. VCF-style: chr19-50402088-C-T. GRCh37 (hg19) VCF-style: chr19-50905345-C-T.
Other names: c.553C>T, p.Pro185Ser (NM_001256849.1, NM_001308632.1); short protein forms P185S.
Identifiers: ClinVar variation 1748187 (VCV001748187.2), dbSNP rs2038664373, ClinGen allele CA406973318.

ClinVar aggregate classification (germline): Uncertain significance (1 of 4 stars; one submission).

Conditions:
Hereditary cancer-predisposing syndrome. Also called: Hereditary Cancer Syndrome; Hereditary neoplastic syndrome; Neoplastic Syndromes, Hereditary; Tumor predisposition. Identifiers: Orphanet 140162, MedGen C0027672, MeSH D009386, MONDO:0015356.

Allele frequency attached by ClinVar (database versions not stated): TOPMed below 0.00001.

Submission:

Ambry Genetics
Classification: Uncertain significance for Hereditary cancer-predisposing syndrome. Last evaluated: 2022-07-14. Review status: criteria provided, single submitter. Criteria: Ambry Variant Classification Scheme 2023. Collection method: clinical testing. Allele origin: germline.
Comment: The p.P185S variant (also known as c.553C>T), located in coding exon 4 of the POLD1 gene, results from a C to T substitution at nucleotide position 553. The proline at codon 185 is replaced by serine, an amino acid with similar properties. This amino acid position is conserved. In addition, this alteration is predicted to be tolerated by in silico analysis. Since supporting evidence is limited at this time, the clinical significance of this alteration remains unclear.